The following is an entry in ClinVar:

ClinVar aggregate classification (germline): Uncertain significance (1 of 4 stars; one submission).

Submission:

GeneDx
Classification: Uncertain significance. Last evaluated: 2026-03-22. Review status: criteria provided, single submitter. Criteria: GeneDx Variant Classification Process June 2021. Collection method: clinical testing. Allele origin: germline.
Comment: Not observed at significant frequency in large population cohorts (gnomAD); In silico analysis supports that this missense variant has a deleterious effect on protein structure/function; Has not been previously published as pathogenic or benign to our knowledge

NM_004446.3(EPRS1):c.2213C>T (p.Pro738Leu)

Gene: EPRS1 (glutamyl-prolyl-tRNA synthetase 1; minus strand). Cytogenetic location: 1q41.
Variant type: single nucleotide variant.
Coding change: c.2213C>T on transcript NM_004446.3 (MANE Select); coding-DNA position 2213, C replaced by T.
Protein change: p.Pro738Leu; replaces proline 738 with leucine.
Molecular consequence: missense variant.
Genome position (GRCh38, 1-based): chr1:219,997,311, G>A on the plus strand (C>T on the coding strand, the complement: EPRS1 is on the minus strand). VCF-style: chr1-219997311-G-A. GRCh37 (hg19) VCF-style: chr1-220170653-G-A.
Other names: short protein forms P738L.
Identifiers: ClinVar variation 5016946 (VCV005016946.1).